The following is an entry in ClinVar:

NM_001040167.2(LFNG):c.508G>A (p.Ala170Thr)

Gene: LFNG (LFNG O-fucosylpeptide 3-beta-N-acetylglucosaminyltransferase; plus strand). Cytogenetic location: 7p22.3.
Variant type: single nucleotide variant.
Coding change: c.508G>A on transcript NM_001040167.2 (MANE Select); coding-DNA position 508, G replaced by A.
Protein change: p.Ala170Thr; replaces alanine 170 with threonine.
Molecular consequence: missense variant.
Genome position (GRCh38, 1-based): chr7:2,525,245, G>A. VCF-style: chr7-2525245-G-A. GRCh37 (hg19) VCF-style: chr7-2564879-G-A.
Other names: c.508G>A, p.Ala170Thr (NM_001040168.2); c.295G>A, p.Ala99Thr (NM_001166355.2); c.121G>A, p.Ala41Thr (NM_002304.3); short protein forms A170T, A99T, A41T.
Identifiers: ClinVar variation 2176865 (VCV002176865.4), dbSNP rs749050354, ClinGen allele CA4126988.

ClinVar aggregate classification (germline): Uncertain significance (1 of 4 stars; one submission).

Conditions:
Spondylocostal dysostosis 3, autosomal recessive (SCDO3). Also called: LFNG-Related Spondylocostal Dysostosis, Autosomal Recessive. Identifiers: Orphanet 2311, MedGen C1853296, MONDO:0012349, OMIM 609813.

Allele frequency attached by ClinVar (database versions not stated): ExAC 0.00001.
gnomAD v4.1: 5 of 1,612,890 alleles (0.00031%); highest among the groups gnomAD compares: Admixed American, 0.0083%; no homozygotes.

Submission:

Labcorp Genetics (formerly Invitae), Labcorp
Classification: Uncertain significance for Spondylocostal dysostosis 3, autosomal recessive. Last evaluated: 2022-10-17. Review status: criteria provided, single submitter. Criteria: Invitae Variant Classification Sherloc (09022015). Collection method: clinical testing. Allele origin: germline.
Comment: In summary, the available evidence is currently insufficient to determine the role of this variant in disease. Therefore, it has been classified as a Variant of Uncertain Significance. Advanced modeling of protein sequence and biophysical properties (such as structural, functional, and spatial information, amino acid conservation, physicochemical variation, residue mobility, and thermodynamic stability) performed at Invitae indicates that this missense variant is not expected to disrupt LFNG protein function. This variant has not been reported in the literature in individuals affected with LFNG-related conditions. This variant is present in population databases (rs749050354, gnomAD 0.01%). This sequence change replaces alanine, which is neutral and non-polar, with threonine, which is neutral and polar, at codon 170 of the LFNG protein (p.Ala170Thr).